The following is an entry in ClinVar:

NM_176822.4(NLRP14):c.1976C>T (p.Thr659Ile)

Gene: NLRP14 (NLR family pyrin domain containing 14; plus strand). Cytogenetic location: 11p15.4.
Variant type: single nucleotide variant.
Coding change: c.1976C>T on transcript NM_176822.4 (MANE Select); coding-DNA position 1976, C replaced by T.
Protein change: p.Thr659Ile; replaces threonine 659 with isoleucine.
Molecular consequence: missense variant.
Genome position (GRCh38, 1-based): chr11:7,046,685, C>T. VCF-style: chr11-7046685-C-T. GRCh37 (hg19) VCF-style: chr11-7067916-C-T.
Other names: short protein forms T659I.
Identifiers: ClinVar variation 103342 (VCV000103342.2), dbSNP rs199475882, ClinGen allele CA230444.
Genomic context (GRCh38, chr11:7,046,685, plus strand): 5'-TAAAATCAGCATTGTTTTTCTTTTCTCAATTATTTATGCAAAGGGATGGTGATCGCATTA[C>T]TCACTGTTGGCAAGATCTCTGTTCTGTGCTTCATACAAATGAACACTTGAGAGAATTGGA-3'
Protein context (NP_789792.1, residues 649-669): PTNTWDGDRI[Thr659Ile]HCWQDLCSVL

ClinVar aggregate classification (germline): not provided (0 of 4 stars; one submission).

Allele frequency attached by ClinVar (database versions not stated): TOPMed below 0.00001; gnomAD 0.00001.

Submission:

Human Evolutionary Genetics, Institut Pasteur
No classification provided. Review status: no classification provided. Collection method: not provided. Allele origin: germline.
ClinVar note: Converted during submission from untested to not provided.